The following is an entry in ClinVar:

ClinVar aggregate classification (germline): Conflicting classifications of pathogenicity. Review status: criteria provided, conflicting classifications (1 of 4 stars). 3 submissions from 3 submitters: Uncertain significance (2); Likely benign (1). Last evaluated 2025-11-26.

Conditions:
Hereditary cancer-predisposing syndrome. Also called: Hereditary neoplastic syndrome; Hereditary Cancer Syndrome; Neoplastic Syndromes, Hereditary; Tumor predisposition. Identifiers: Orphanet 140162, MedGen C0027672, MeSH D009386, MONDO:0015356.
Hereditary breast ovarian cancer syndrome. Also called: BRCA1- and BRCA2-Associated Hereditary Breast and Ovarian Cancer; Hereditary breast and ovarian cancer syndrome; Hereditary breast and ovarian cancer; Hereditary breast and ovarian cancer syndrome (HBOC); Breast and ovarian cancer; Hereditary breast and/or ovarian cancer syndrome. Identifiers: Orphanet 145, MedGen C0677776, MeSH D061325, MONDO:0003582. Disease mechanism: loss of function.

Submissions (3):

Ambry Genetics
Classification: Uncertain significance for Hereditary cancer-predisposing syndrome. Last evaluated: 2025-11-26. Review status: criteria provided, single submitter. Criteria: Ambry Variant Classification Scheme 2023. Collection method: clinical testing. Allele origin: germline.
Comment: The p.L929F variant (also known as c.2787A>T), located in coding exon 10 of the BRCA2 gene, results from an A to T substitution at nucleotide position 2787. The leucine at codon 929 is replaced by phenylalanine, an amino acid with highly similar properties. This amino acid position is conserved. In addition, this alteration is predicted to be tolerated by in silico analysis. Since supporting evidence is limited at this time, the clinical significance of this alteration remains unclear.

Labcorp Genetics (formerly Invitae), Labcorp
Classification: Uncertain significance for Hereditary breast ovarian cancer syndrome. Last evaluated: 2025-07-24. Review status: criteria provided, single submitter. Criteria: Invitae Variant Classification Sherloc (09022015). Collection method: clinical testing. Allele origin: germline.
Comment: This sequence change replaces leucine, which is neutral and non-polar, with phenylalanine, which is neutral and non-polar, at codon 929 of the BRCA2 protein (p.Leu929Phe). This variant is not present in population databases (gnomAD no frequency). This variant has not been reported in the literature in individuals affected with BRCA2-related conditions. ClinVar contains an entry for this variant (Variation ID: 236843). Invitae Evidence Modeling of protein sequence and biophysical properties (such as structural, functional, and spatial information, amino acid conservation, physicochemical variation, residue mobility, and thermodynamic stability) indicates that this missense variant is not expected to disrupt BRCA2 protein function with a negative predictive value of 95%. In summary, the available evidence is currently insufficient to determine the role of this variant in disease. Therefore, it has been classified as a Variant of Uncertain Significance.

University of Washington Department of Laboratory Medicine, University of Washington
Classification: Likely benign for Hereditary cancer-predisposing syndrome. Last evaluated: 2023-03-23. Review status: criteria provided, single submitter. Criteria: Dines et al. (Genet Med. 2020). Collection method: curation. Allele origin: germline.
Comment: Missense variant in a coldspot region where missense variants are very unlikely to be pathogenic (PMID:31911673).

BRCA2 exon 11 coldspot. Reclassification based on statistical prior probability.

NM_000059.4(BRCA2):c.2787A>T (p.Leu929Phe)

Gene: BRCA2 (BRCA2 DNA repair associated; plus strand). Cytogenetic location: 13q13.1.
Variant type: single nucleotide variant.
Coding change: c.2787A>T on transcript NM_000059.4 (MANE Select); coding-DNA position 2787, A replaced by T.
Protein change: p.Leu929Phe; replaces leucine 929 with phenylalanine.
Molecular consequence: missense variant.
Genome position (GRCh38, 1-based): chr13:32,337,142, A>T. VCF-style: chr13-32337142-A-T. GRCh37 (hg19) VCF-style: chr13-32911279-A-T.
Other names: short protein forms L929F.
Identifiers: ClinVar variation 236843 (VCV000236843.9), dbSNP rs878853564, ClinGen allele CA10583084.